The following is an entry in ClinVar:

NM_020774.4(MIB1):c.2635C>T (p.Gln879Ter)

Gene: MIB1 (MIB E3 ubiquitin protein ligase 1; plus strand). Cytogenetic location: 18q11.2.
Variant type: single nucleotide variant.
Coding change: c.2635C>T on transcript NM_020774.4 (MANE Select); coding-DNA position 2635, C replaced by T.
Protein change: p.Gln879Ter; replaces glutamine 879 with a stop codon.
Molecular consequence: nonsense.
Genome position (GRCh38, 1-based): chr18:21,853,188, C>T. VCF-style: chr18-21853188-C-T. GRCh37 (hg19) VCF-style: chr18-19433149-C-T.
Other names: short protein forms Q879*.
Identifiers: ClinVar variation 489065 (VCV000489065.3), dbSNP rs1555696617, ClinGen allele CA401796979.

ClinVar aggregate classification (germline): Uncertain significance. Review status: criteria provided, multiple submitters, no conflicts (2 of 4 stars). 2 submissions from 2 submitters: Uncertain significance (2). Last evaluated 2021-07-01.

Conditions:
Left ventricular noncompaction 7 (LVNC7). Identifiers: Orphanet 54260, MedGen C3554496, MONDO:0014042, OMIM 615092.

gnomAD v4.1: 1 of 1,613,230 alleles (0.000062%); no homozygotes.

Submissions (2):

Fulgent Genetics
Classification: Uncertain significance for Left ventricular noncompaction 7. Last evaluated: 2021-07-01. Review status: criteria provided, single submitter. Criteria: ACMG Guidelines, 2015. Collection method: clinical testing. Allele origin: unknown.

GeneDx
Classification: Uncertain significance. Last evaluated: 2018-11-13. Review status: criteria provided, single submitter. Criteria: GeneDx Variant Classification (06012015). Collection method: clinical testing. Allele origin: germline. Affected: yes.
Comment: The Q879X variant in the MIB1 gene has not been reported previously as a pathogenic variant nor as a benign variant, to our knowledge. This variant is predicted to cause loss of normal protein function either through protein truncation or nonsense-mediated mRNA decay. The Q879X variant is not observed in large population cohorts (Lek et al., 2016; 1000 Genomes Consortium et al., 2015; Exome Variant Server). We interpret Q879X as a variant of uncertain significance.